The following is an entry in ClinVar:

NM_000487.6(ARSA):c.1442G>A (p.Arg481Gln)

Gene: ARSA (arylsulfatase A; minus strand). Cytogenetic location: 22q13.33.
Variant type: single nucleotide variant.
Coding change: c.1442G>A on transcript NM_000487.6 (MANE Select); coding-DNA position 1442, G replaced by A.
Protein change: p.Arg481Gln; replaces arginine 481 with glutamine.
Molecular consequence: missense variant.
Genome position (GRCh38, 1-based): chr22:50,625,233, C>T on the plus strand (G>A on the coding strand, the complement: ARSA is on the minus strand). VCF-style: chr22-50625233-C-T. GRCh37 (hg19) VCF-style: chr22-51063661-C-T.
Other names: c.1442G>A, p.Arg481Gln (NM_001085425.3, NM_001085426.3, NM_001085427.3); c.1184G>A, p.Arg395Gln (NM_001085428.3, NM_001362782.2); short protein forms R481Q, R395Q.
Identifiers: ClinVar variation 1435681 (VCV001435681.6), dbSNP rs776116011, ClinGen allele CA10324728.

ClinVar aggregate classification (germline): Uncertain significance. Review status: criteria provided, multiple submitters, no conflicts (2 of 4 stars). 2 submissions from 2 submitters: Uncertain significance (2). Last evaluated 2022-10-24.

Conditions:
Metachromatic leukodystrophy (MLD). Also called: ARSA DEFICIENCY; CEREBROSIDE SULFATASE DEFICIENCY; Arylsulfatase A Deficiency; METACHROMATIC LEUKOENCEPHALOPATHY; SULFATIDE LIPIDOSIS; Cerebral sclerosis diffuse metachromatic form. Identifiers: Orphanet 512, MedGen C0023522, MONDO:0018868, OMIM 250100.

Allele frequency attached by ClinVar (database versions not stated): gnomAD exomes 0.00002; ExAC 0.00003; gnomAD 0.00003; TOPMed 0.00004.

Submissions (2):

Labcorp Genetics (formerly Invitae), Labcorp
Classification: Uncertain significance for Metachromatic leukodystrophy. Last evaluated: 2022-10-24. Review status: criteria provided, single submitter. Criteria: Invitae Variant Classification Sherloc (09022015). Collection method: clinical testing. Allele origin: germline.
Comment: This sequence change replaces arginine, which is basic and polar, with glutamine, which is neutral and polar, at codon 481 of the ARSA protein (p.Arg481Gln). This variant is present in population databases (rs776116011, gnomAD 0.006%). This variant has not been reported in the literature in individuals affected with ARSA-related conditions. ClinVar contains an entry for this variant (Variation ID: 1435681). Advanced modeling of protein sequence and biophysical properties (such as structural, functional, and spatial information, amino acid conservation, physicochemical variation, residue mobility, and thermodynamic stability) performed at Invitae indicates that this missense variant is not expected to disrupt ARSA protein function. In summary, the available evidence is currently insufficient to determine the role of this variant in disease. Therefore, it has been classified as a Variant of Uncertain Significance.

GeneDx
Classification: Uncertain significance. Last evaluated: 2022-06-06. Review status: criteria provided, single submitter. Criteria: GeneDx Variant Classification Process June 2021. Collection method: clinical testing. Allele origin: germline. Affected: yes.
Comment: Not observed at significant frequency in large population cohorts (gnomAD); In silico analysis supports that this missense variant does not alter protein structure/function; Has not been previously published as pathogenic or benign to our knowledge; Also known as p.(R479Q)